The following is an entry in ClinVar:

NM_001430.5(EPAS1):c.2600A>C (p.Asp867Ala)

Gene: EPAS1 (endothelial PAS domain protein 1; plus strand). Cytogenetic location: 2p21.
Variant type: single nucleotide variant.
Coding change: c.2600A>C on transcript NM_001430.5 (MANE Select); coding-DNA position 2600, A replaced by C.
Protein change: p.Asp867Ala; replaces aspartic acid 867 with alanine.
Molecular consequence: missense variant.
Genome position (GRCh38, 1-based): chr2:46,384,647, A>C. VCF-style: chr2-46384647-A-C. GRCh37 (hg19) VCF-style: chr2-46611786-A-C.
Other names: short protein forms D867A.
Identifiers: ClinVar variation 3275737 (VCV003275737.1).
Genomic context (GRCh38, chr2:46,384,647, plus strand): 5'-ACGTGCCCGTGCTGGGAAGCTCCACGCTCCTGCAAGGAGGGGACCTCCTCAGAGCCCTGG[A>C]CCAGGCCACCTGAGCCAGGCCTTCTACCTGGGCAGCACCTCTGCCGACGCCGTCCCACCA-3'
Protein context (NP_001421.2, residues 857-870): LQGGDLLRAL[Asp867Ala]QAT

ClinVar aggregate classification (germline): Uncertain significance (1 of 4 stars; one submission).

Conditions:
Inborn genetic diseases. Identifiers: MedGen C0950123, MeSH D030342.

Submission:

Ambry Genetics
Classification: Uncertain significance for Inborn genetic diseases. Last evaluated: 2024-06-11. Review status: criteria provided, single submitter. Criteria: Ambry Variant Classification Scheme 2023. Collection method: clinical testing. Allele origin: germline.
Comment: The p.D867A variant (also known as c.2600A>C), located in coding exon 16 of the EPAS1 gene, results from an A to C substitution at nucleotide position 2600. The aspartic acid at codon 867 is replaced by alanine, an amino acid with dissimilar properties. This amino acid position is conserved. In addition, the in silico prediction for this alteration is inconclusive. Based on the available evidence, the clinical significance of this variant remains unclear.